The following is an entry in ClinVar:

ClinVar aggregate classification (germline): Uncertain significance. Review status: criteria provided, multiple submitters, no conflicts (2 of 4 stars). 2 submissions from 2 submitters: Uncertain significance (2). Last evaluated 2024-11-13.

Submissions (2):

Labcorp Genetics (formerly Invitae), Labcorp
Classification: Uncertain significance. Last evaluated: 2024-11-13. Review status: criteria provided, single submitter. Criteria: Invitae Variant Classification Sherloc (09022015). Collection method: clinical testing. Allele origin: germline.
Comment: This sequence change replaces phenylalanine, which is neutral and non-polar, with serine, which is neutral and polar, at codon 1630 of the ABCA4 protein (p.Phe1630Ser). This variant is not present in population databases (gnomAD no frequency). This missense change has been observed in individual(s) with clinical features of ABCA4-related conditions (internal data). ClinVar contains an entry for this variant (Variation ID: 1047109). Invitae Evidence Modeling of protein sequence and biophysical properties (such as structural, functional, and spatial information, amino acid conservation, physicochemical variation, residue mobility, and thermodynamic stability) indicates that this missense variant is expected to disrupt ABCA4 protein function with a positive predictive value of 95%. In summary, the available evidence is currently insufficient to determine the role of this variant in disease. Therefore, it has been classified as a Variant of Uncertain Significance.

Blueprint Genetics
Classification: Uncertain significance. Last evaluated: 2023-06-15. Review status: criteria provided, single submitter. Criteria: ACMG Guidelines, 2015. Collection method: clinical testing. Allele origin: germline.

NM_000350.3(ABCA4):c.4889T>C (p.Phe1630Ser)

Genes: ABCA4 (ATP binding cassette subfamily A member 4; minus strand), LOC126805793 (CDK7 strongly-dependent group 2 enhancer GRCh37_chr1:94486302-94487501; plus strand). Cytogenetic location: 1p22.1.
Variant type: single nucleotide variant.
Coding change: c.4889T>C on transcript NM_000350.3 (MANE Select); coding-DNA position 4889, T replaced by C.
Protein change: p.Phe1630Ser; replaces phenylalanine 1630 with serine.
Molecular consequence: missense variant.
Genome position (GRCh38, 1-based): chr1:94,021,369, A>G on the plus strand (T>C on the coding strand, the complement: ABCA4 is on the minus strand). VCF-style: chr1-94021369-A-G. GRCh37 (hg19) VCF-style: chr1-94486925-A-G.
Other names: c.4667T>C, p.Phe1556Ser (NM_001425324.1); short protein forms F1630S, F1556S.
Identifiers: ClinVar variation 1047109 (VCV001047109.9), dbSNP rs1659891925, ClinGen allele CA341283155.
Genomic context (GRCh38, chr1:94,021,369, plus strand): 5'-TCGGGGCTCCTGTCCTTAGGCAGGCTGGCCCGTAAGATGGCGTTGTGGGCCACATTGAGA[A>G]AGCTGACCAGGGCATGCCAGCCTTTGTTATTAAACCACACCTAGAGGGTGGAGAGGACAT-3'
Protein context (NP_000341.2, residues 1620-1640): NNKGWHALVS[Phe1630Ser]LNVAHNAILR